The following continues an entry in ClinVar:

NM_000179.3(MSH6):c.3103C>T (p.Arg1035Ter)

Gene: MSH6. ClinVar aggregate classification (germline): Pathogenic. Pathogenic (1).

Submissions 28 to 33 of 33:

Clinical Genetics DNA and cytogenetics Diagnostics Lab, Erasmus MC, Erasmus Medical Center
Classification: Pathogenic. Review status: no assertion criteria provided. Collection method: clinical testing. Allele origin: germline. Affected: yes. Study: VKGL Data-share Consensus. Not counted in ClinVar's aggregate classification.

Clinical Genetics, Academic Medical Center
Classification: Pathogenic. Review status: no assertion criteria provided. Collection method: clinical testing. Allele origin: germline. Affected: yes. Study: VKGL Data-share Consensus. Not counted in ClinVar's aggregate classification.

Department of Pathology and Laboratory Medicine, Sinai Health System
Classification: Pathogenic for Endometrial carcinoma. Review status: no assertion criteria provided. Collection method: clinical testing. Allele origin: unknown. Affected: yes. Observed: 1 variant allele. Study: The Canadian Open Genetics Repository (COGR). Not counted in ClinVar's aggregate classification.
Comment: The MSH6 p.Arg1035X variant was identified in 4 of 816 proband chromosomes (frequency: 0.005) from individuals or families with Lynch Syndrome, and was not identified in 38 control chromosomes from healthy individuals (Everett 2014, Hendriks 2004, Pritchard 2012). The variant was identified in dbSNP (ID: rs63749999) as â€šÃ„ÃºWith Pathogenic Alleleâ€šÃ„Ã¹, in Clinvitae and Clinvar databases (pathogenic by InSIGHT, Invitae and Ambry Genetics), in COSMIC (1x with confirmed somatic status) and in InSiGHT Colon Cancer Gene Variant Database (2x as class 5 pathogenic). In addition, the variant was identified the Exome Aggregation Consortium database (August 8th 2016) in 1 of 119020 chromosomes (freq. 0.000008) in the European (Non-Finnish) population but not seen in the African, East Asian, Finnish, Latino, and South Asian populations and in the genome Aggregation Database (beta, October 19th 2016) in 2 of 242594 chromosomes (freq. 0.000008). The variant was not identified in Mismatch Repair Genes Variant, MMR Gene Unclassified Variants, Zhejiang Colon Cancer (LOVD), GeneInsight - COGR database, UMD, the 1000 Genomes and the NHLBI GO Exome Sequencing Projects databases. The p.Arg1035X variant leads to a premature stop codon at position 1035, which is predicted to lead to a truncated or absent protein and loss of function. Loss of function variants of the MSH6 gene are an established mechanism of disease in Lynch syndrome and this is the type of variant expected to cause the disorder. In summary, based on the above information, this variant meets our laboratoryâ€šÃ„Ã´s criteria to be classified as pathogenic.

Dr. Peter K. Rogan Lab, Western University
No classification provided (evidence only). Condition: Glioma susceptibility 1. Review status: no classification provided. Collection method: in vitro. Allele origin: not applicable. Functional consequence: skipped exon. Not counted in ClinVar's aggregate classification.

Genome Diagnostics Laboratory, Amsterdam University Medical Center
Classification: Pathogenic. Review status: no assertion criteria provided. Collection method: clinical testing. Allele origin: germline. Affected: yes. Study: VKGL Data-share Consensus. Not counted in ClinVar's aggregate classification.

Joint Genome Diagnostic Labs from Nijmegen and Maastricht, Radboudumc and MUMC+
Classification: Pathogenic. Review status: no assertion criteria provided. Collection method: clinical testing. Allele origin: germline. Affected: yes. Study: VKGL Data-share Consensus. Not counted in ClinVar's aggregate classification.

Literature cited by the submitters: PubMed 18269114 (cited by 8 submitters); PubMed 24362816 (cited by Labcorp Genetics (formerly Invitae), Labcorp); PubMed 15236168 (cited by 7 submitters); PubMed 15483016 (cited by 7 submitters); PubMed 22006311 (cited by 8 submitters); PubMed 23047549 (cited by 5 submitters); PubMed 30147880 (cited by 4 submitters); PubMed 10471527 (cited by 7 submitters); PubMed 26720728 (cited by 5 submitters); PubMed 25006859 (cited by 5 submitters); PubMed 27372833 (cited by All of Us Research Program, National Institutes of Health and Quest Diagnostics Nichols Institute San Juan Capistrano); PubMed 27601186 (cited by All of Us Research Program, National Institutes of Health and Color Diagnostics, LLC DBA Color Health); PubMed 29345684 (cited by All of Us Research Program, National Institutes of Health); PubMed 30376427 (cited by All of Us Research Program, National Institutes of Health); PubMed 31307542 (cited by All of Us Research Program, National Institutes of Health); PubMed 34667028 (cited by All of Us Research Program, National Institutes of Health); PubMed 18301448 (cited by Color Diagnostics, LLC DBA Color Health and Quest Diagnostics Nichols Institute San Juan Capistrano); PubMed 33471991 (cited by Quest Diagnostics Nichols Institute San Juan Capistrano); PubMed 32660107 (cited by Quest Diagnostics Nichols Institute San Juan Capistrano); PubMed 25525159 (cited by Quest Diagnostics Nichols Institute San Juan Capistrano); PubMed 27863258 (cited by Quest Diagnostics Nichols Institute San Juan Capistrano); PubMed 29489754 (cited by Quest Diagnostics Nichols Institute San Juan Capistrano and Laboratory for Molecular Medicine, Mass General Brigham Personalized Medicine); PubMed 36988593 (cited by Laboratory for Genotyping Development, RIKEN).